The following is an entry in ClinVar:

ClinVar aggregate classification (germline): Uncertain significance (1 of 4 stars; one submission).

Conditions:
Hereditary cancer-predisposing syndrome. Also called: Hereditary Cancer Syndrome; Neoplastic Syndromes, Hereditary; Tumor predisposition; Hereditary neoplastic syndrome. Identifiers: Orphanet 140162, MedGen C0027672, MeSH D009386, MONDO:0015356.

Submission:

Ambry Genetics
Classification: Uncertain significance for Hereditary cancer-predisposing syndrome. Last evaluated: 2026-07-18. Review status: criteria provided, single submitter. Criteria: Ambry Variant Classification Scheme 2023. Collection method: clinical testing. Allele origin: germline.
Comment: The p.E1130A variant (also known as c.3389A>C), located in coding exon 20 of the DICER1 gene, results from an A to C substitution at nucleotide position 3389. The glutamic acid at codon 1130 is replaced by alanine, an amino acid with dissimilar properties. This amino acid position is conserved. In addition, the in silico prediction for this alteration is inconclusive. Based on the available evidence, the clinical significance of this variant remains unclear.

NM_177438.3(DICER1):c.3389A>C (p.Glu1130Ala)

Gene: DICER1 (dicer 1, ribonuclease III; minus strand). Cytogenetic location: 14q32.13.
Variant type: single nucleotide variant.
Coding change: c.3389A>C on transcript NM_177438.3 (MANE Select); coding-DNA position 3389, A replaced by C.
Protein change: p.Glu1130Ala; replaces glutamic acid 1130 with alanine.
Molecular consequence: missense variant. On other transcripts: non-coding transcript variant (6).
Genome position (GRCh38, 1-based): chr14:95,104,007, T>G on the plus strand (A>C on the coding strand, the complement: DICER1 is on the minus strand). VCF-style: chr14-95104007-T-G. GRCh37 (hg19) VCF-style: chr14-95570344-T-G.
Other names: c.3389A>C, p.Glu1130Ala (NM_030621.4, NM_001195573.1, NM_001271282.3 and 12 more transcripts); c.3107A>C, p.Glu1036Ala (NM_001395686.1); c.2984A>C, p.Glu995Ala (NM_001395687.1, NM_001395688.1, NM_001395689.1 and 2 more transcripts); c.2822A>C, p.Glu941Ala (NM_001395691.1); c.1706A>C, p.Glu569Ala (NM_001395697.1); short protein forms E941A, E569A, E1130A, E1036A, E995A.
Identifiers: ClinVar variation 5035223 (VCV005035223.1).